The following is an entry in ClinVar:

ClinVar aggregate classification (germline): Uncertain significance (1 of 4 stars; one submission).

Submission:

Labcorp Genetics (formerly Invitae), Labcorp
Classification: Uncertain significance. Last evaluated: 2024-09-05. Review status: criteria provided, single submitter. Criteria: Invitae Variant Classification Sherloc (09022015). Collection method: clinical testing. Allele origin: germline.
Comment: This variant, c.99_101del, results in the deletion of 1 amino acid(s) of the NACC1 protein (p.Val36del), but otherwise preserves the integrity of the reading frame. This variant is not present in population databases (gnomAD no frequency). This variant has not been reported in the literature in individuals affected with NACC1-related conditions. ClinVar contains an entry for this variant (Variation ID: 1492495). Experimental studies and prediction algorithms are not available or were not evaluated, and the functional significance of this variant is currently unknown. In summary, the available evidence is currently insufficient to determine the role of this variant in disease. Therefore, it has been classified as a Variant of Uncertain Significance.

NM_052876.4(NACC1):c.99_101del (p.Val36del)

Gene: NACC1 (nucleus accumbens associated 1; plus strand). Cytogenetic location: 19p13.13.
Variant type: Deletion.
Coding change: c.99_101del on transcript NM_052876.4 (MANE Select); coding-DNA positions 99 to 101, 3 bases deleted (AGT; older notation c.99_101delAGT).
Protein change: p.Val36del; deletes valine 36.
Molecular consequence: inframe deletion.
Genome position (GRCh38, 1-based): chr19:13,135,306-13,135,308, AGT deleted. VCF-style (leftmost placement, unchanged base first): chr19-13135305-CAGT-C. GRCh37 (hg19) VCF-style: chr19-13246119-CAGT-C.
Other names: short protein forms V36del.
Identifiers: ClinVar variation 1492495 (VCV001492495.6), dbSNP rs2145623003, ClinGen allele CA2573156012.